The following is an entry in ClinVar:

NM_001371623.1(TCOF1):c.4166G>A (p.Gly1389Glu)

Gene: TCOF1 (treacle ribosome biogenesis factor 1; plus strand). Cytogenetic location: 5q32.
Variant type: single nucleotide variant.
Coding change: c.4166G>A on transcript NM_001371623.1 (MANE Select); coding-DNA position 4166, G replaced by A.
Protein change: p.Gly1389Glu; replaces glycine 1389 with glutamic acid.
Molecular consequence: missense variant.
Genome position (GRCh38, 1-based): chr5:150,396,663, G>A. VCF-style: chr5-150396663-G-A. GRCh37 (hg19) VCF-style: chr5-149776226-G-A.
Other names: c.3932G>A, p.Gly1311Glu (NM_000356.4, NM_001437406.1); c.4163G>A, p.Gly1388Glu (NM_001135243.2); c.4052G>A, p.Gly1351Glu (NM_001135244.2); c.3935G>A, p.Gly1312Glu (NM_001135245.2); c.4049G>A, p.Gly1350Glu (NM_001195141.2); short protein forms G1388E, G1389E, G1311E, G1312E, G1350E, G1351E.
Identifiers: ClinVar variation 4988196 (VCV004988196.1).

ClinVar aggregate classification (germline): Uncertain significance (1 of 4 stars; one submission).

Conditions:
TCOF1-related disorder. Also called: TCOF1-related condition.

gnomAD v4.1: 2 of 1,611,228 alleles (0.00012%); highest among the groups gnomAD compares: Middle Eastern, 0.033%; no homozygotes.

Submission:

PreventionGenetics, part of Exact Sciences
Classification: Uncertain significance for TCOF1-related condition. Last evaluated: 2024-11-07. Review status: criteria provided, single submitter. Criteria: ACMG Guidelines, 2015. Collection method: clinical testing. Allele origin: germline.
Comment: The TCOF1 c.4163G>A variant is predicted to result in the amino acid substitution p.Gly1388Glu. To our knowledge, this variant has not been reported in the literature or in a large population database (gnomAD), indicating this variant is rare. At this time, the clinical significance of this variant is uncertain due to the absence of conclusive functional and genetic evidence.